The following is an entry in ClinVar:

NM_004551.3(NDUFS3):c.374G>A (p.Arg125His)

Gene: NDUFS3 (NADH:ubiquinone oxidoreductase core subunit S3; plus strand). Cytogenetic location: 11p11.2.
Variant type: single nucleotide variant.
Coding change: c.374G>A on transcript NM_004551.3 (MANE Select); coding-DNA position 374, G replaced by A.
Protein change: p.Arg125His; replaces arginine 125 with histidine.
Molecular consequence: missense variant.
Genome position (GRCh38, 1-based): chr11:47,580,977, G>A. VCF-style: chr11-47580977-G-A. GRCh37 (hg19) VCF-style: chr11-47602529-G-A.
Other names: short protein forms R125H.
Identifiers: ClinVar variation 418381 (VCV000418381.9), dbSNP rs138867882, ClinGen allele CA5977938.

ClinVar aggregate classification (germline): Conflicting classifications of pathogenicity. Review status: criteria provided, conflicting classifications (1 of 4 stars). 4 submissions from 4 submitters: Likely pathogenic (2); Uncertain significance (2). Last evaluated 2021-06-02.

Conditions:
Mitochondrial complex I deficiency. Also called: NADH:Q(1) OXIDOREDUCTASE DEFICIENCY. Identifiers: Orphanet 2609, MedGen C1838979, MeSH C537475, MONDO:0100133.
Mitochondrial complex I deficiency, nuclear type 8. Also called: Mitochondrial complex 1 deficiency, nuclear type 8. Identifiers: MedGen C4748766, MONDO:0032613, OMIM 618230.

Allele frequency attached by ClinVar (database versions not stated): ExAC 0.00001; gnomAD 0.00001; TOPMed 0.00002; gnomAD exomes 0.00003; ESP Exome Variant Server 0.00008.

Submissions (4):

Labcorp Genetics (formerly Invitae), Labcorp
Classification: Uncertain significance. Last evaluated: 2021-06-02. Review status: criteria provided, single submitter. Criteria: Invitae Variant Classification Sherloc (09022015). Collection method: clinical testing. Allele origin: germline.
Comment: This variant has not been reported in the literature in individuals with NDUFS3-related conditions. ClinVar contains an entry for this variant (Variation ID: 418381). This sequence change replaces arginine with histidine at codon 125 of the NDUFS3 protein (p.Arg125His). The arginine residue is highly conserved and there is a small physicochemical difference between arginine and histidine. This variant is present in population databases (rs138867882, ExAC 0.006%). Algorithms developed to predict the effect of missense changes on protein structure and function (SIFT, PolyPhen-2, Align-GVGD) all suggest that this variant is likely to be disruptive, but these predictions have not been confirmed by published functional studies and their clinical significance is uncertain. In summary, the available evidence is currently insufficient to determine the role of this variant in disease. Therefore, it has been classified as a Variant of Uncertain Significance.

Rady Children's Institute for Genomic Medicine, Rady Children's Hospital San Diego
Classification: Likely pathogenic for MITOCHONDRIAL COMPLEX I DEFICIENCY. Last evaluated: 2018-01-18. Review status: criteria provided, single submitter. Criteria: ACMG Guidelines, 2015. Collection method: clinical testing. Allele origin: germline. Affected: yes. Observed: 1 variant allele.
Comment: This variant has previously been reported as likely pathogenic by a clinical laboratory in the ClinVar database (ClinVar Variation ID 418381). However, no functional studies are available to confirm that the variant alters protein function. There are eight reports of the allele in the public reference database, gnomAD, thus the variant is rare. The p.Arg125 residue is highly conserved among eukaryotes and in silico algorithms predict a damaging effect of a histidine substitution on protein function. Based on the combined evidence, the variant is classified as likely pathogenic.

GeneDx
Classification: Likely pathogenic. Last evaluated: 2015-07-22. Review status: criteria provided, single submitter. Criteria: GeneDx Variant Classification (06012015). Collection method: clinical testing. Allele origin: germline. Affected: yes.
Comment: The R125H variant has not been published as a pathogenic variant, nor has it been reported as a benign polymorphism to our knowledge. The R125H variant is a conservative amino acid substitution, which is not likely to impact secondary protein structure as these residues share similar properties. This substitution occurs at a position that is conserved across species. In silico analysis is inconsistent in its predictions as to whether or not the variant is damaging to the protein structure/function. Therefore, this variant is a strong candidate for a pathogenic variant, however the possibility that it is a benign variant cannot be excluded.

Neuberg Centre For Genomic Medicine, NCGM
Classification: Uncertain significance for Mitochondrial complex I deficiency, nuclear type 8. Review status: criteria provided, single submitter. Criteria: ACMG Guidelines, 2015. Collection method: clinical testing. Allele origin: germline. Affected: yes.
Comment: The missense variant p.R125H in NDUFS3 (NM_004551.3) has been previously submitted to ClinVar as Likely Pathogenic but no independent details are available for assesment. The variant has not been reported in any affected individuals in literature.The p.R125H variant is observed in 2/30,616 (0.0065%) alleles from individuals of South Asian background in gnomAD Exomes and is novel (not in any individuals) in 1000 Genomes. The p.R125H missense variant is predicted to be damaging by both SIFT and PolyPhen2. The arginine residue at codon 125 of NDUFS3 is conserved in all mammalian species. The nucleotide c.374 in NDUFS3 is predicted conserved by GERP++ and PhyloP across 100 vertebrates. For these reasons, this variant has been classified as Uncertain Significance.